The following is an entry in ClinVar:

ClinVar aggregate classification (germline): Uncertain significance (1 of 4 stars; one submission).

Allele frequency attached by ClinVar (database versions not stated): gnomAD exomes 0.00001.
gnomAD v4.1: 6 of 1,612,938 alleles (0.00037%); highest among the groups gnomAD compares: East Asian, 0.0022%; no homozygotes.

Submission:

Women's Health and Genetics/Laboratory Corporation of America, LabCorp
Classification: Uncertain significance. Last evaluated: 2023-10-18. Review status: criteria provided, single submitter. Criteria: LabCorp Variant Classification Summary - May 2015. Collection method: clinical testing. Allele origin: germline.
Comment: Variant summary: COL6A2 c.350C>T (p.Ser117Phe) results in a non-conservative amino acid change located in the von Willebrand factor, type A domain (IPR002035) of the encoded protein sequence. Three of five in-silico tools predict a benign effect of the variant on protein function. The variant allele was found at a frequency of 4e-06 in 250092 control chromosomes (gnomAD). The available data on variant occurrences in the general population are insufficient to allow any conclusion about variant significance. To our knowledge, no occurrence of c.350C>T in individuals affected with Collagen Type VI-Related Disorders and no experimental evidence demonstrating its impact on protein function have been reported. No submitters have cited clinical-significance assessments for this variant to ClinVar after 2014. Based on the evidence outlined above, the variant was classified as uncertain significance.

NM_001849.4(COL6A2):c.350C>T (p.Ser117Phe)

Gene: COL6A2 (collagen type VI alpha 2 chain; plus strand). Cytogenetic location: 21q22.3.
Variant type: single nucleotide variant.
Coding change: c.350C>T on transcript NM_001849.4 (MANE Select); coding-DNA position 350, C replaced by T.
Protein change: p.Ser117Phe; replaces serine 117 with phenylalanine.
Molecular consequence: missense variant.
Genome position (GRCh38, 1-based): chr21:46,112,213, C>T. VCF-style: chr21-46112213-C-T. GRCh37 (hg19) VCF-style: chr21-47532127-C-T.
Other names: c.350C>T, p.Ser117Phe (NM_058174.3, NM_058175.3); short protein forms S117F.
Identifiers: ClinVar variation 2637801 (VCV002637801.1), dbSNP rs1331953023, ClinGen allele CA410521018.
Genomic context (GRCh38, chr21:46,112,213, plus strand): 5'-GCGGCCTGCACTTCTCTGACCAGGTGGAGGTGTTCAGCCCACCGGGCAGCGACCGGGCCT[C>T]CTTCATCAAGAACCTGCAGGGCATCAGCTCCTTCCGCCGCGGCACCTTCACCGACTGCGC-3'
Protein context (NP_001840.3, residues 107-127): VFSPPGSDRA[Ser117Phe]FIKNLQGISS